The following is an entry in ClinVar:

NM_006567.5(FARS2):c.515TGG[2] (p.Val174del)

Genes: FARS2 (phenylalanyl-tRNA synthetase 2, mitochondrial; plus strand), LOC126859565 (CDK7 strongly-dependent group 2 enhancer GRCh37_chr6:5368745-5369944; plus strand). Cytogenetic location: 6p25.1.
Variant type: Microsatellite.
Coding change: c.515TGG[2] on transcript NM_006567.5 (MANE Select); two copies in a row of the 3-base unit TGG starting at c.515; the reference has three copies in a row; one copy, 3 bases deleted.
Protein change: p.Val174del; deletes valine 174.
Molecular consequence: inframe deletion. On other transcripts: intron variant (2).
Genome position (GRCh38, 1-based): chr6:5,369,091-5,369,093, TGG deleted; deleting any 3 consecutive bases within chr6:5,369,085-5,369,093 gives the same sequence; the position shown is the placement nearest the transcript's 3' end. VCF-style (leftmost placement, unchanged base first): chr6-5369084-CTGG-C. GRCh37 (hg19) VCF-style: chr6-5369317-CTGG-C.
Other names: c.515TGG[2], p.Val174del (NM_001318872.2, NM_001374875.1, NM_001374876.1 and 5 more transcripts); c.-340-27548TGG[2] (NM_001375260.1); c.-84-35457TGG[2] (NM_001375259.1); short protein forms V174del.
Identifiers: ClinVar variation 488362 (VCV000488362.10), dbSNP rs1554169392, ClinGen allele CA658683437.
Genomic context (GRCh38, chr6:5,369,084, plus strand): 5'-CTGAGAGCGCACACGTCTGCACACCAGTGGGACTTGCTGCACGCGGGACTGGATGCCTTC[CTGG>C]TGGTGGGTGATGTCTACAGGCGTGACCAGATCGACTCCCAGCACTACCCTATTTTCCACC-3'

ClinVar aggregate classification (germline): Uncertain significance. Review status: criteria provided, multiple submitters, no conflicts (2 of 4 stars). 3 submissions from 3 submitters: Uncertain significance (2). 1 of the submissions does not count toward it. Last evaluated 2024-10-23.

Conditions:
Hereditary spastic paraplegia 77. Also called: Spastic paraplegia 77, autosomal recessive. Identifiers: Orphanet 466722, MedGen C5569007, MONDO:0014882, OMIM 617046.
Combined oxidative phosphorylation defect type 14. Also called: Combined oxidative phosphorylation deficiency 14. Identifiers: Orphanet 319519, MedGen C4755312, MONDO:0013986, OMIM 614946.

Submissions (3):

Labcorp Genetics (formerly Invitae), Labcorp
Classification: Uncertain significance for Combined oxidative phosphorylation defect type 14. Last evaluated: 2024-10-23. Review status: criteria provided, single submitter. Criteria: Invitae Variant Classification Sherloc (09022015). Collection method: clinical testing. Allele origin: germline.
Comment: This variant, c.521_523del, results in the deletion of 1 amino acid(s) of the FARS2 protein (p.Val174del), but otherwise preserves the integrity of the reading frame. This variant is not present in population databases (gnomAD no frequency). This variant has been observed in individual(s) with clinical features of hereditary spastic paraplegia (PMID: 29126765). Experimental studies and prediction algorithms are not available or were not evaluated, and the functional significance of this variant is currently unknown. In summary, the available evidence is currently insufficient to determine the role of this variant in disease. Therefore, it has been classified as a Variant of Uncertain Significance.

Wong Mito Lab, Molecular and Human Genetics, Baylor College of Medicine
Classification: Uncertain significance for Spastic paraplegia 77, autosomal recessive. Last evaluated: 2018-06-13. Review status: criteria provided, single submitter. Criteria: ACMG Guidelines, 2015. Collection method: clinical testing. Allele origin: germline. Affected: yes.

OMIM
Classification: Pathogenic for SPASTIC PARAPLEGIA 77, AUTOSOMAL RECESSIVE. Last evaluated: 2018-01-30. Review status: no assertion criteria provided. Collection method: literature only. Allele origin: germline. Not counted in ClinVar's aggregate classification.

Literature cited by the submitters: PubMed 29126765 (cited by 3 submitters).